The following is an entry in ClinVar:

ClinVar aggregate classification (germline): Uncertain significance (1 of 4 stars; one submission).

Conditions:
Agammaglobulinemia 2, autosomal recessive (AGM2). Also called: AGAMMAGLOBULINEMIA, AUTOSOMAL RECESSIVE, DUE TO IGLL1 DEFECT. Identifiers: MedGen C3150750, MONDO:0013287, OMIM 613500.

Submission:

Labcorp Genetics (formerly Invitae), Labcorp
Classification: Uncertain significance for Agammaglobulinemia 2, autosomal recessive. Last evaluated: 2025-11-11. Review status: criteria provided, single submitter. Criteria: Invitae Variant Classification Sherloc (09022015). Collection method: clinical testing. Allele origin: germline.
Comment: This sequence change falls in intron 2 of the IGLL1 gene. It does not directly change the encoded amino acid sequence of the IGLL1 protein. It affects a nucleotide within the consensus splice site. This variant is present in population databases (no rsID available, gnomAD 0.0009%). This variant has not been reported in the literature in individuals affected with IGLL1-related conditions. Variants that disrupt the consensus splice site are a relatively common cause of aberrant splicing (PMID: 17576681, 9536098). Algorithms developed to predict the effect of sequence changes on RNA splicing suggest that this variant may disrupt the consensus splice site. In summary, the available evidence is currently insufficient to determine the role of this variant in disease. Therefore, it has been classified as a Variant of Uncertain Significance.

Literature cited by the submitters: PubMed 17576681; PubMed 9536098.

NM_020070.4(IGLL1):c.322+3_322+6del

Gene: IGLL1 (immunoglobulin lambda like polypeptide 1; minus strand). Cytogenetic location: 22q11.23.
Variant type: Microsatellite.
Coding change: c.322+3_322+6del on transcript NM_020070.4 (MANE Select); bases 3 to 6 of the intron after coding-DNA position 322, 4 bases deleted (AAGT; older notation c.322+3_322+6delAAGT).
Molecular consequence: splice donor variant. On other transcripts: intron variant (1).
Genome position (GRCh38, 1-based): chr22:23,574,961-23,574,964, ACTT deleted on the plus strand (AAGT on the coding strand, the reverse complement: IGLL1 is on the minus strand); deleting any 4 consecutive bases within chr22:23,574,961-23,574,969 gives the same sequence; the c. name uses the placement nearest the transcript's 3' end. VCF-style (leftmost placement, unchanged base first): chr22-23574960-CACTT-C. GRCh37 (hg19) VCF-style: chr22-23917147-CACTT-C.
Other names: c.207-1379_207-1376del (NM_152855.3); c.325+3_325+6del (NM_001369906.1).
Identifiers: ClinVar variation 574475 (VCV000574475.8), dbSNP rs1184765604, ClinGen allele CA638682405.
Genomic context (GRCh38, chr22:23,574,960, plus strand): 5'-GAGAGAGAAAACACATTTTCCAGAGACAGGAGAGGGTGGGACAGCCTGGGAAGTTAGAGC[CACTT>C]ACTTAAAACGGTGAGCTGGGTCCCGCTGCCAAACACATGCGTCACTGAGTTATGCTTGGA-3'